The following is an entry in ClinVar:

ClinVar aggregate classification (germline): Conflicting classifications of pathogenicity. Review status: criteria provided, conflicting classifications (1 of 4 stars). 3 submissions from 3 submitters: Likely pathogenic (1); Uncertain significance (1). 1 of the submissions does not count toward it. Last evaluated 2025-07-23.

Conditions:
Pigmentary retinal dystrophy. Also called: Fundus albipunctatus. Identifiers: Orphanet 227796, Orphanet 52427, MedGen C0311338, MONDO:0007639, OMIM 136880, HP:0030642.
Fundus albipunctatus, autosomal recessive. Identifiers: MedGen C4016746.

Allele frequency attached by ClinVar (database versions not stated): TOPMed below 0.00001; gnomAD exomes 0.00001.

Submissions (3):

Women's Health and Genetics/Laboratory Corporation of America, LabCorp
Classification: Uncertain significance. Last evaluated: 2025-07-23. Review status: criteria provided, single submitter. Criteria: LabCorp Variant Classification Summary - May 2015. Collection method: clinical testing. Allele origin: germline.
Comment: Variant summary: RDH5 c.530T>G (p.Val177Gly) results in a non-conservative amino acid change in the encoded protein sequence. Algorithms developed to predict the effect of missense changes on protein structure and function all suggest that this variant is likely to be disruptive. The variant allele was found at a frequency of 8.1e-06 in 247752 control chromosomes. c.530T>G has been observed in the compound heterozygous state in an individual affected with fundus albipunctatus and an individual affected with familial fleck retina with night blindness (e.g. Kuroiwa_2000, Hayashi_2006). These data indicate that the variant may be associated with disease. To our knowledge, no experimental evidence demonstrating an impact on protein function has been reported. The following publications have been ascertained in the context of this evaluation (PMID: 16637847, 11078852). ClinVar contains an entry for this variant (Variation ID: 8007). Based on the evidence outlined above, the variant was classified as VUS-possibly pathogenic.

3billion
Classification: Likely pathogenic for Pigmentary retinal dystrophy. Last evaluated: 2024-09-25. Review status: criteria provided, single submitter. Criteria: ACMG Guidelines, 2015. Collection method: clinical testing. Allele origin: germline. Affected: yes.
Comment: The variant is observed at an extremely low frequency in the gnomAD v4.0.0 dataset (total allele frequency: <0.001%). Predicted Consequence/Location: Missense variant In silico tool predictions suggest damaging effect of the variant on gene or gene product [REVEL: 0.74 (>=0.6, sensitivity 0.68 and specificity 0.92); 3Cnet: 0.78 (>=0.6, sensitivity 0.72 and precision 0.9)]. The same nucleotide change resulting in the same amino acid change has been previously reported to be associated with RDH5 related disorder (ClinVar ID: VCV000008007 /PMID: 11078852).The variant has been reported to be in trans with a pathogenic variant as either compound heterozygous or homozygous in at least one similarly affected unrelated individual (PMID: 11078852). Therefore, this variant is classified as Likely pathogenic according to the recommendation of ACMG/AMP guideline.

OMIM
Classification: Pathogenic for FUNDUS ALBIPUNCTATUS, AUTOSOMAL RECESSIVE. Last evaluated: 2000-11-01. Review status: no assertion criteria provided. Collection method: literature only. Allele origin: germline. Not counted in ClinVar's aggregate classification.

Literature cited by the submitters: PubMed 16637847 (cited by Women's Health and Genetics/Laboratory Corporation of America, LabCorp); PubMed 11078852 (cited by 3 submitters).

NM_002905.5(RDH5):c.530T>G (p.Val177Gly)

Genes: BLOC1S1-RDH5 (BLOC1S1-RDH5 readthrough; plus strand), RDH5 (retinol dehydrogenase 5; plus strand). Cytogenetic location: 12q13.2.
Variant type: single nucleotide variant.
Coding change: c.530T>G on transcript NM_002905.5 (MANE Select); coding-DNA position 530, T replaced by G.
Protein change: p.Val177Gly; replaces valine 177 with glycine.
Molecular consequence: missense variant. On other transcripts: non-coding transcript variant (1).
Genome position (GRCh38, 1-based): chr12:55,721,908, T>G. VCF-style: chr12-55721908-T-G. GRCh37 (hg19) VCF-style: chr12-56115692-T-G.
Other names: c.530T>G, p.Val177Gly (NM_001199771.3); short protein forms V177G.
Identifiers: ClinVar variation 8007 (VCV000008007.7), dbSNP rs104894373, ClinGen allele CA119204.